The following is an entry in ClinVar:

ClinVar aggregate classification (germline): Uncertain significance (1 of 4 stars; one submission).

Conditions:
Genitopatellar syndrome (GTPTS). Also called: ABSENT PATELLAE, SCROTAL HYPOPLASIA, RENAL ANOMALIES, FACIAL DYSMORPHISM, AND MENTAL RETARDATION; Genitopatellar syndrome (GPS). Identifiers: Orphanet 85201, MedGen C1853566, MONDO:0011640, OMIM 606170.

Submission:

Labcorp Genetics (formerly Invitae), Labcorp
Classification: Uncertain significance for Genitopatellar syndrome. Last evaluated: 2024-04-02. Review status: criteria provided, single submitter. Criteria: Invitae Variant Classification Sherloc (09022015). Collection method: clinical testing. Allele origin: germline.
Comment: This sequence change replaces asparagine, which is neutral and polar, with serine, which is neutral and polar, at codon 1262 of the KAT6B protein (p.Asn1262Ser). This variant is not present in population databases (gnomAD no frequency). This variant has not been reported in the literature in individuals affected with KAT6B-related conditions. Advanced modeling of protein sequence and biophysical properties (such as structural, functional, and spatial information, amino acid conservation, physicochemical variation, residue mobility, and thermodynamic stability) performed at Invitae indicates that this missense variant is not expected to disrupt KAT6B protein function with a negative predictive value of 80%. In summary, the available evidence is currently insufficient to determine the role of this variant in disease. Therefore, it has been classified as a Variant of Uncertain Significance.

NM_012330.4(KAT6B):c.3785A>G (p.Asn1262Ser)

Gene: KAT6B (lysine acetyltransferase 6B; plus strand). Cytogenetic location: 10q22.2.
Variant type: single nucleotide variant.
Coding change: c.3785A>G on transcript NM_012330.4 (MANE Select); coding-DNA position 3785, A replaced by G.
Protein change: p.Asn1262Ser; replaces asparagine 1262 with serine.
Molecular consequence: missense variant.
Genome position (GRCh38, 1-based): chr10:75,028,609, A>G. VCF-style: chr10-75028609-A-G. GRCh37 (hg19) VCF-style: chr10-76788367-A-G.
Other names: c.3236A>G, p.Asn1079Ser (NM_001256468.2, NM_001370138.1); c.2909A>G, p.Asn970Ser (NM_001256469.2, NM_001370139.1, NM_001370140.1 and 2 more transcripts); c.2747A>G, p.Asn916Ser (NM_001370132.1); c.2096A>G, p.Asn699Ser (NM_001370133.1); c.1700A>G, p.Asn567Ser (NM_001370134.1); c.1442A>G, p.Asn481Ser (NM_001370135.1); c.3785A>G, p.Asn1262Ser (NM_001370136.1, NM_001370137.1); c.2720A>G, p.Asn907Ser (NM_001370143.1, NM_001370144.1); short protein forms N481S, N567S, N1262S, N907S, N970S, N1079S, N699S, N916S.
Identifiers: ClinVar variation 3647765 (VCV003647765.2).